The following is an entry in ClinVar:

ClinVar aggregate classification (germline): Likely pathogenic (1 of 4 stars; one submission).

Conditions:
Rare genetic deafness. Identifiers: Orphanet 96210, MedGen C5680250.

Submission:

Laboratory for Molecular Medicine, Mass General Brigham Personalized Medicine
Classification: Likely pathogenic for Rare genetic deafness. Last evaluated: 2019-02-01. Review status: criteria provided, single submitter. Criteria: LMM Criteria. Collection method: clinical testing. Allele origin: germline. Inheritance: Autosomal recessive inheritance. Observed: 2 variant alleles.
Comment: The p.Tyr1265X variant in MYO15A has not been previously reported in individuals with hearing loss and was absent from large population studies. This nonsense variant leads to a premature termination codon at position 1265, which is predicted to lead to a truncated or absent protein. Loss of function of the MYO15A gene is an established disease mechanism in autosomal recessive hearing loss. In summary, although additional studies are required to fully establish its clinical significance, this variant meets criteria to be classified as likely pathogenic for autosomal recessive hearing loss. ACMG/AMP Criteria applied: PVS1, PM2.

NM_016239.4(MYO15A):c.3795C>A (p.Tyr1265Ter)

Gene: MYO15A (myosin XVA; plus strand). Cytogenetic location: 17p11.2.
Variant type: single nucleotide variant.
Coding change: c.3795C>A on transcript NM_016239.4 (MANE Select); coding-DNA position 3795, C replaced by A.
Protein change: p.Tyr1265Ter; replaces tyrosine 1265 with a stop codon.
Molecular consequence: nonsense.
Genome position (GRCh38, 1-based): chr17:18,126,385, C>A. VCF-style: chr17-18126385-C-A. GRCh37 (hg19) VCF-style: chr17-18029699-C-A.
Other names: short protein forms Y1265*.
Identifiers: ClinVar variation 666976 (VCV000666976.5), dbSNP rs1597768378, ClinGen allele CA398590343.